The following is an entry in ClinVar:

ClinVar aggregate classification (germline): Conflicting classifications of pathogenicity. Review status: criteria provided, conflicting classifications (1 of 4 stars). 13 submissions from 13 submitters: Uncertain significance (4); Likely benign (7). 2 of the submissions do not count toward it. Last evaluated 2026-06-01.

Conditions:
AGL-related disorder. Also called: AGL-related condition.
Glycogen storage disease type III (GSD3). Also called: Cori disease; FORBES DISEASE. Identifiers: Orphanet 366, MedGen C0017922, MONDO:0009291, OMIM 232400.

Allele frequency attached by ClinVar (database versions not stated): gnomAD 0.00212 and 0.00159; ESP Exome Variant Server 0.00238; TOPMed 0.00261; 1000 Genomes Project 0.00060; 1000 Genomes Project 30x 0.00078; ExAC 0.00153; gnomAD exomes 0.00176.
gnomAD v4.1: 4,566 of 1,613,298 alleles (0.28%); highest among the groups gnomAD compares: Non-Finnish European, 0.35%; 17 homozygotes.

Submissions (13):

CeGaT Center for Human Genetics Tuebingen
Classification: Likely benign. Last evaluated: 2026-06-01. Review status: criteria provided, single submitter. Criteria: CeGaT Center For Human Genetics Tuebingen Variant Classification Criteria Version 2. Collection method: clinical testing. Allele origin: germline. Affected: yes. Observed: 6 variant alleles.
Comment: AGL: BP4, BS2

Labcorp Genetics (formerly Invitae), Labcorp
Classification: Likely benign for Glycogen storage disease type III. Last evaluated: 2026-02-03. Review status: criteria provided, single submitter. Criteria: Invitae Variant Classification Sherloc (09022015). Collection method: clinical testing. Allele origin: germline.

Mayo Clinic Laboratories, Mayo Clinic
Classification: Likely benign. Last evaluated: 2025-01-31. Review status: criteria provided, single submitter. Criteria: ACMG Guidelines, 2015. Collection method: clinical testing. Allele origin: germline. Observed: 7 variant alleles.
Comment: BS1, BP4

Blueprint Genetics
Classification: Likely benign. Last evaluated: 2024-11-23. Review status: criteria provided, single submitter. Criteria: ACMG Guidelines, 2015. Collection method: clinical testing. Allele origin: germline.

Revvity Omics, Revvity
Classification: Likely benign for Glycogen storage disease type III. Last evaluated: 2024-09-20. Review status: criteria provided, single submitter. Criteria: ACMG Guidelines, 2015. Collection method: clinical testing. Allele origin: germline.

ARUP Laboratories, Molecular Genetics and Genomics, ARUP Laboratories
Classification: Uncertain significance. Last evaluated: 2023-09-28. Review status: criteria provided, single submitter. Criteria: ARUP Molecular Germline Variant Investigation Process 2024. Collection method: clinical testing. Allele origin: germline.
Comment: The AGL c.2390A>G; p.Asn797Ser variant (rs149210307), to our knowledge, is not reported in the medical literature but is reported in ClinVar (Variation ID: 456470). This variant is found in the general population with an overall allele frequency of 0.2% (477/282272 alleles, including one homozygote) in the Genome Aggregation Database. The asparagine at codon 797 is moderately conserved, but computational analyses are uncertain whether this variant is neutral or deleterious (REVEL: 0.195). Based on available information, the clinical significance of this variant is uncertain at this time.

Department of Pathology and Laboratory Medicine, Sinai Health System
Classification: Likely benign for glycogen storage disease III. Last evaluated: 2022-02-14. Review status: criteria provided, single submitter. Criteria: ACMG Guidelines, 2015. Collection method: research. Allele origin: germline.

Genome-Nilou Lab
Classification: Uncertain significance for Glycogen storage disease type III. Last evaluated: 2021-07-15. Review status: criteria provided, single submitter. Criteria: ACMG Guidelines, 2015. Collection method: clinical testing. Allele origin: germline. Affected: no.

GeneDx
Classification: Likely benign. Last evaluated: 2021-06-04. Review status: criteria provided, single submitter. Criteria: GeneDx Variant Classification Process June 2021. Collection method: clinical testing. Allele origin: germline. Affected: yes.
Comment: This variant is associated with the following publications: (PMID: 25741868, 28492532)

Fulgent Genetics
Classification: Uncertain significance for Glycogen storage disease type III. Last evaluated: 2018-10-31. Review status: criteria provided, single submitter. Criteria: ACMG Guidelines, 2015. Collection method: clinical testing. Allele origin: unknown.

Illumina Laboratory Services, Illumina
Classification: Uncertain significance for Glycogen storage disease type III. Last evaluated: 2018-01-12. Review status: criteria provided, single submitter. Criteria: ICSL Variant Classification Criteria 13 December 2019. Collection method: clinical testing. Allele origin: germline.

PreventionGenetics, part of Exact Sciences
Classification: Likely benign for AGL-related condition. Last evaluated: 2021-02-22. Review status: no assertion criteria provided. Collection method: clinical testing. Allele origin: germline. Not counted in ClinVar's aggregate classification.
Comment: This variant is classified as likely benign based on ACMG/AMP sequence variant interpretation guidelines (Richards et al. 2015 PMID: 25741868, with internal and published modifications).

Natera, Inc.
Classification: Uncertain significance for Glycogen storage disease type III. Last evaluated: 2020-01-11. Review status: no assertion criteria provided. Collection method: clinical testing. Allele origin: germline. Not counted in ClinVar's aggregate classification.

NM_000642.3(AGL):c.2390A>G (p.Asn797Ser)

Gene: AGL (amylo-alpha-1,6-glucosidase and 4-alpha-glucanotransferase; plus strand). Cytogenetic location: 1p21.2.
Variant type: single nucleotide variant.
Coding change: c.2390A>G on transcript NM_000642.3 (MANE Select); coding-DNA position 2390, A replaced by G.
Protein change: p.Asn797Ser; replaces asparagine 797 with serine.
Molecular consequence: missense variant.
Genome position (GRCh38, 1-based): chr1:99,884,201, A>G. VCF-style: chr1-99884201-A-G. GRCh37 (hg19) VCF-style: chr1-100349757-A-G.
Other names: p.Asn797Ser; c.2186A>G, p.Asn729Ser (NM_001425328.1, NM_001425329.1); c.2012A>G, p.Asn671Ser (NM_001425332.1); c.2390A>G, p.Asn797Ser (NM_000028.3, NM_000643.3, NM_000644.3 and 2 more transcripts); c.2342A>G, p.Asn781Ser (NM_000646.3); c.2189A>G, p.Asn730Ser (NM_001425327.1); short protein forms N797S, N781S, N671S, N729S, N730S.
Identifiers: ClinVar variation 456470 (VCV000456470.77), dbSNP rs149210307, ClinGen allele CA966780.